The following is an entry in ClinVar:

ClinVar aggregate classification (germline): Uncertain significance (1 of 4 stars; one submission).

Submission:

GeneDx
Classification: Uncertain significance. Last evaluated: 2024-07-07. Review status: criteria provided, single submitter. Criteria: GeneDx Variant Classification Process June 2021. Collection method: clinical testing. Allele origin: germline. Affected: yes.
Comment: Not observed at significant frequency in large population cohorts (gnomAD); In silico analysis supports that this missense variant has a deleterious effect on protein structure/function; Has not been previously published as pathogenic or benign to our knowledge

NM_001394062.1(MACF1):c.2270C>T (p.Ala757Val)

Gene: MACF1 (microtubule actin crosslinking factor 1; plus strand). Cytogenetic location: 1p34.3.
Variant type: single nucleotide variant.
Coding change: c.2270C>T on transcript NM_001394062.1 (MANE Select); coding-DNA position 2270, C replaced by T.
Protein change: p.Ala757Val; replaces alanine 757 with valine.
Molecular consequence: missense variant.
Genome position (GRCh38, 1-based): chr1:39,295,797, C>T. VCF-style: chr1-39295797-C-T. GRCh37 (hg19) VCF-style: chr1-39761469-C-T.
Other names: c.2285C>T, p.Ala762Val (NM_012090.5); short protein forms A757V, A762V.
Identifiers: ClinVar variation 3572578 (VCV003572578.1).
Genomic context (GRCh38, chr1:39,295,797, plus strand): 5'-TTGAGTCTGTTAAACTCAAGCCCTTCTGTCTGTGTGCTTGTTTATTGCAGGCTTACAGTG[C>T]TGCTGTCCAGTCCCAGTTGCAGTGGATGAAGCAGCTGTGCCTGTGTGTTGAGCAGCATGT-3'
Protein context (NP_001380991.1, residues 747-767): PAKQTVEAYS[Ala757Val]AVQSQLQWMK